The following is an entry in ClinVar:

ClinVar aggregate classification (germline): Uncertain significance. Review status: criteria provided, multiple submitters, no conflicts (2 of 4 stars). 2 submissions from 2 submitters: Uncertain significance (2). Last evaluated 2024-03-01.

Conditions:
Hypokalemic periodic paralysis, type 1. Also called: Hypokalemic Periodic Paralysis Type 1 (AD); HypoPP. Identifiers: Orphanet 681, MedGen C3714580, MONDO:0042979, OMIM 170400.
Malignant hyperthermia, susceptibility to, 5 (MHS5). Also called: CACNA1S-Related Malignant Hyperthermia Susceptibility. Identifiers: Orphanet 423, MedGen C1866077, MONDO:0011163, OMIM 601887.
Congenital myopathy 18. Also called: Myopathy, congenital, due to dihydropyridine receptor defect; DIHYDROPYRIDINE RECEPTOR CONGENITAL MYOPATHY; DHPR CONGENITAL MYOPATHY. Identifiers: MedGen C5830283, MONDO:0859514, OMIM 620246.
Thyrotoxic periodic paralysis, susceptibility to, 1 (TTPP1). Identifiers: Orphanet 79102, MedGen C2749982, MONDO:0008570, OMIM 188580.

gnomAD v4.1: 4 of 1,613,998 alleles (0.00025%); highest among the groups gnomAD compares: African/African-American, 0.0027%; no homozygotes.

Submissions (2):

Fulgent Genetics
Classification: Uncertain significance for Hypokalemic periodic paralysis, type 1; Thyrotoxic periodic paralysis, susceptibility to, 1; Malignant hyperthermia, susceptibility to, 5; Congenital myopathy 18. Last evaluated: 2024-03-01. Review status: criteria provided, single submitter. Criteria: ACMG Guidelines, 2015. Collection method: clinical testing. Allele origin: germline.

All of Us Research Program, National Institutes of Health
Classification: Uncertain significance for Malignant hyperthermia, susceptibility to, 5. Last evaluated: 2024-02-22. Review status: criteria provided, single submitter. Criteria: ACMG Guidelines, 2015. Collection method: clinical testing. Allele origin: germline. Inheritance: Autosomal dominant inheritance. Observed: 1 variant allele, 1 heterozygote.
Comment: This missense variant replaces isoleucine with valine at codon 1133 of the CACNA1S protein. Computational prediction suggests that this variant may not impact protein structure and function (internally defined REVEL score threshold <= 0.5, PMID: 27666373). To our knowledge, functional studies have not been reported for this variant. This variant has not been reported in individuals affected with CACNA1S-related disorders in the literature. This variant has not been identified in the general population by the Genome Aggregation Database (gnomAD). The available evidence is insufficient to determine the role of this variant in disease conclusively. Therefore, this variant is classified as a Variant of Uncertain Significance.

This study involves interpretation of variants in research participants for the purpose of population health screening. Participant phenotype was not available at the time of variant classification. Additional details can be found in publication PMID: 35346344, PMCID: PMC8962531

NM_000069.3(CACNA1S):c.3397A>G (p.Ile1133Val)

Gene: CACNA1S (calcium voltage-gated channel subunit alpha1 S; minus strand). Cytogenetic location: 1q32.1.
Variant type: single nucleotide variant.
Coding change: c.3397A>G on transcript NM_000069.3 (MANE Select); coding-DNA position 3397, A replaced by G.
Protein change: p.Ile1133Val; replaces isoleucine 1133 with valine.
Molecular consequence: missense variant.
Genome position (GRCh38, 1-based): chr1:201,060,675, T>C on the plus strand (A>G on the coding strand, the complement: CACNA1S is on the minus strand). VCF-style: chr1-201060675-T-C. GRCh37 (hg19) VCF-style: chr1-201029803-T-C.
Other names: short protein forms I1133V.
Identifiers: ClinVar variation 3386326 (VCV003386326.2).